The following is an entry in ClinVar:

NM_000102.4(CYP17A1):c.327dup (p.Lys110Ter)

Gene: CYP17A1 (cytochrome P450 family 17 subfamily A member 1; minus strand). Cytogenetic location: 10q24.32.
Variant type: Duplication.
Coding change: c.327dup on transcript NM_000102.4 (MANE Select); coding-DNA position 327, one base duplicated (T; older notation c.327dupT).
Protein change: p.Lys110Ter; replaces lysine 110 with a stop codon.
Molecular consequence: nonsense.
Genome position (GRCh38, 1-based): chr10:102,835,363, A duplicated on the plus strand (T on the coding strand, the reverse complement: CYP17A1 is on the minus strand). VCF-style (leftmost placement, unchanged base first): chr10-102835362-T-TA. GRCh37 (hg19) VCF-style: chr10-104595119-T-TA.
Other names: short protein forms K110*.
Identifiers: ClinVar variation 2573844 (VCV002573844.5), dbSNP rs2493243250, ClinGen allele CA2580616864.

ClinVar aggregate classification (germline): Pathogenic. Review status: criteria provided, multiple submitters, no conflicts (2 of 4 stars). 3 submissions from 3 submitters: Pathogenic (3). Last evaluated 2023-12-18.

Conditions:
Deficiency of steroid 17-alpha-monooxygenase. Also called: ADRENAL HYPERPLASIA V; Congenital adrenal hyperplasia due to 17-alpha-hydroxylase deficiency; Congenital adrenal hyperplasia type 5; 17-ALPHA-HYDROXYLASE DEFICIENCY; 17-alpha-hydroxylase/17,20-lyase deficiency. Identifiers: Orphanet 90793, MedGen C0268285, MONDO:0008730, OMIM 202110.

Allele frequency attached by ClinVar (database versions not stated): gnomAD exomes below 0.00001.

Submissions (3):

Labcorp Genetics (formerly Invitae), Labcorp
Classification: Pathogenic. Last evaluated: 2023-12-18. Review status: criteria provided, single submitter. Criteria: Invitae Variant Classification Sherloc (09022015). Collection method: clinical testing. Allele origin: germline.
Comment: This sequence change creates a premature translational stop signal (p.Lys110*) in the CYP17A1 gene. It is expected to result in an absent or disrupted protein product. Loss-of-function variants in CYP17A1 are known to be pathogenic (PMID: 10720067, 14747197, 17192295, 20197673, 24140098). This variant is not present in population databases (gnomAD no frequency). This premature translational stop signal has been observed in individual(s) with CYP17A1-related conditions (PMID: 21822006). ClinVar contains an entry for this variant (Variation ID: 2573844). For these reasons, this variant has been classified as Pathogenic.

Baylor Genetics
Classification: Pathogenic for Deficiency of steroid 17-alpha-monooxygenase. Last evaluated: 2023-11-20. Review status: criteria provided, single submitter. Criteria: ACMG Guidelines, 2015. Collection method: clinical testing. Allele origin: unknown.

GeneDx
Classification: Pathogenic. Last evaluated: 2023-07-19. Review status: criteria provided, single submitter. Criteria: GeneDx Variant Classification Process June 2021. Collection method: clinical testing. Allele origin: germline. Affected: yes.
Comment: Nonsense variant predicted to result in protein truncation or nonsense mediated decay in a gene for which loss-of-function is a known mechanism of disease; Not observed at significant frequency in large population cohorts (gnomAD); This variant is associated with the following publications: (PMID: 29595516, 22309630, 19728179, 21822006)

Literature cited by the submitters: PubMed 10720067 (cited by Labcorp Genetics (formerly Invitae), Labcorp); PubMed 14747197 (cited by Labcorp Genetics (formerly Invitae), Labcorp); PubMed 17192295 (cited by Labcorp Genetics (formerly Invitae), Labcorp); PubMed 20197673 (cited by Labcorp Genetics (formerly Invitae), Labcorp); PubMed 24140098 (cited by Labcorp Genetics (formerly Invitae), Labcorp); PubMed 21822006 (cited by Labcorp Genetics (formerly Invitae), Labcorp).